The following is an entry in ClinVar:

ClinVar aggregate classification (germline): Uncertain significance. Review status: criteria provided, multiple submitters, no conflicts (2 of 4 stars). 2 submissions from 2 submitters: Uncertain significance (2). Last evaluated 2023-05-18.

Conditions:
Inborn genetic diseases. Identifiers: MedGen C0950123, MeSH D030342.

Allele frequency attached by ClinVar (database versions not stated): gnomAD exomes below 0.00001; gnomAD 0.00002; TOPMed 0.00002.
gnomAD v4.1: 7 of 1,225,496 alleles (0.00057%); highest among the groups gnomAD compares: African/African-American, 0.0096%; no homozygotes.

Submissions (2):

Ambry Genetics
Classification: Uncertain significance for Inborn genetic diseases. Last evaluated: 2023-05-18. Review status: criteria provided, single submitter. Criteria: Ambry Variant Classification Scheme 2023. Collection method: clinical testing. Allele origin: germline.

Labcorp Genetics (formerly Invitae), Labcorp
Classification: Uncertain significance. Last evaluated: 2022-08-16. Review status: criteria provided, single submitter. Criteria: Invitae Variant Classification Sherloc (09022015). Collection method: clinical testing. Allele origin: germline.
Comment: In summary, the available evidence is currently insufficient to determine the role of this variant in disease. Therefore, it has been classified as a Variant of Uncertain Significance. Algorithms developed to predict the effect of missense changes on protein structure and function are either unavailable or do not agree on the potential impact of this missense change (SIFT: "Deleterious"; PolyPhen-2: "Probably Damaging"; Align-GVGD: "Class C0"). ClinVar contains an entry for this variant (Variation ID: 588318). This variant has not been reported in the literature in individuals affected with ARID1B-related conditions. The frequency data for this variant in the population databases is considered unreliable, as metrics indicate insufficient coverage at this position in the gnomAD database. This sequence change replaces glycine, which is neutral and non-polar, with aspartic acid, which is acidic and polar, at codon 385 of the ARID1B protein (p.Gly385Asp).

NM_001374828.1(ARID1B):c.1403G>A (p.Gly468Asp)

Gene: ARID1B (AT-rich interaction domain 1B; plus strand). Cytogenetic location: 6q25.3.
Variant type: single nucleotide variant.
Coding change: c.1403G>A on transcript NM_001374828.1 (MANE Select); coding-DNA position 1403, G replaced by A.
Protein change: p.Gly468Asp; replaces glycine 468 with aspartic acid.
Molecular consequence: missense variant.
Genome position (GRCh38, 1-based): chr6:156,779,083, G>A. VCF-style: chr6-156779083-G-A. GRCh37 (hg19) VCF-style: chr6-157100217-G-A.
Other names: c.1154G>A, p.Gly385Asp (NM_020732.3); c.1403G>A, p.Gly468Asp (NM_017519.3, NM_001371656.1, NM_001374820.1); short protein forms G385D, G468D.
Identifiers: ClinVar variation 588318 (VCV000588318.10), dbSNP rs1276959546, ClinGen allele CA366384266.